The following is an entry in ClinVar:

ClinVar aggregate classification (germline): Likely benign. Review status: criteria provided, single submitter (1 of 4 stars). 2 submissions from 2 submitters: Likely benign (1). 1 of the submissions does not count toward it. Last evaluated 2025-03-16.

Conditions:
SH3PXD2B-related disorder. Also called: SH3PXD2B-related condition.

Allele frequency attached by ClinVar (database versions not stated): ExAC 0.00003; gnomAD 0.00005; TOPMed 0.00005; ESP Exome Variant Server 0.00008.
gnomAD v4.1: 42 of 1,610,102 alleles (0.0026%); highest among the groups gnomAD compares: Middle Eastern, 0.016%; no homozygotes.

Submissions (2):

Labcorp Genetics (formerly Invitae), Labcorp
Classification: Likely benign. Last evaluated: 2025-03-16. Review status: criteria provided, single submitter. Criteria: Invitae Variant Classification Sherloc (09022015). Collection method: clinical testing. Allele origin: germline.

PreventionGenetics, part of Exact Sciences
Classification: Likely benign for SH3PXD2B-related condition. Last evaluated: 2019-09-09. Review status: no assertion criteria provided. Collection method: clinical testing. Allele origin: germline. Not counted in ClinVar's aggregate classification.
Comment: This variant is classified as likely benign based on ACMG/AMP sequence variant interpretation guidelines (Richards et al. 2015 PMID: 25741868, with internal and published modifications).

NM_001017995.3(SH3PXD2B):c.76-5C>T

Gene: SH3PXD2B (SH3 and PX domains 2B; minus strand). Cytogenetic location: 5q35.1.
Variant type: single nucleotide variant.
Coding change: c.76-5C>T on transcript NM_001017995.3 (MANE Select); 5 bases into the intron before coding-DNA position 76, C replaced by T.
Molecular consequence: intron variant.
Genome position (GRCh38, 1-based): chr5:172,422,501, G>A on the plus strand (C>T on the coding strand, the complement: SH3PXD2B is on the minus strand). VCF-style: chr5-172422501-G-A. GRCh37 (hg19) VCF-style: chr5-171849505-G-A.
Other names: c.76-5C>T (NM_001308175.2, NM_001017995.2).
Identifiers: ClinVar variation 1970456 (VCV001970456.7), dbSNP rs374450475, ClinGen allele CA3561678.
Genomic context (GRCh38, chr5:172,422,501, plus strand): 5'-CGCCGGTAAATGGCCTCGGTGGAGCCGCTGGACCACGTGACCCGGATGATGTAGACCTGC[G>A]GGAGCAACAGAGGAGATGGGTGTTAACACCAGAAGGTGGTCTCCCAATCTCTGGGACCCA-3'